The following is an entry in ClinVar:

ClinVar aggregate classification (germline): Pathogenic/Likely pathogenic. Review status: criteria provided, multiple submitters, no conflicts (2 of 4 stars). 10 submissions from 9 submitters: Pathogenic (6); Likely pathogenic (3). 1 of the submissions does not count toward it. Last evaluated 2025-07-16.

Conditions:
USH2A-related disorder. Also called: USH2A-related disorders; USH2A-related condition. Identifiers: MedGen CN239332.
Retinal dystrophy. Also called: Inherited retinal dystrophy. Identifiers: Orphanet 71862, MedGen C0854723, MeSH D058499, MONDO:0019118, HP:0000556.
Retinitis pigmentosa 39 (RP39). Identifiers: Orphanet 791, MedGen C3151138, MONDO:0013436, OMIM 613809.
Usher syndrome type 2A. Also called: RETINAL DISEASE IN USHER SYNDROME TYPE IIA, MODIFIER OF; USHER SYNDROME, TYPE IIA. Identifiers: Orphanet 231178, Orphanet 886, MedGen C1848634, MONDO:0010169, OMIM 276901.

Allele frequency attached by ClinVar (database versions not stated): TOPMed 0.00001; gnomAD exomes below 0.00001; ExAC 0.00001.
gnomAD v4.1: 8 of 1,613,758 alleles (0.0005%); highest among the groups gnomAD compares: South Asian, 0.0011%; no homozygotes.

Submissions (10):

Natera, Inc.
Classification: Pathogenic for Usher syndrome type 2A. Last evaluated: 2025-07-16. Review status: criteria provided, single submitter. Criteria: Natera Variant Classification Schema (03/2026). Collection method: clinical testing. Allele origin: germline.
Comment: The c.13822C>T variant in USH2A is a nonsense variant predicted to introduce a stop codon at amino acid 4608. This variant is expected to result in nonsense mediated decay, truncation, or a dysfunctional protein product. This variant is rare in the general population with a frequency below the threshold expected for the associated phenotype(s). This variant has been observed in one or more individuals affected with the associated recessive disease, as either homozygous or compound heterozygous with a second variant (PMID: 24944099). Given the available evidence, this variant is classified as Pathogenic.

Labcorp Genetics (formerly Invitae), Labcorp
Classification: Pathogenic. Last evaluated: 2024-12-26. Review status: criteria provided, single submitter. Criteria: Invitae Variant Classification Sherloc (09022015). Collection method: clinical testing. Allele origin: germline.
Comment: This sequence change creates a premature translational stop signal (p.Arg4608*) in the USH2A gene. It is expected to result in an absent or disrupted protein product. Loss-of-function variants in USH2A are known to be pathogenic (PMID: 10729113, 10909849, 20507924, 25649381). This variant is present in population databases (rs367674026, gnomAD 0.0009%). This premature translational stop signal has been observed in individuals with Usher syndrome or retinitis pigmentosa (PMID: 18273898, 24944099, 28157192, 30459346). ClinVar contains an entry for this variant (Variation ID: 557745). For these reasons, this variant has been classified as Pathogenic.

Genome-Nilou Lab
Classification: Likely pathogenic for Retinitis pigmentosa 39. Last evaluated: 2023-11-04. Review status: criteria provided, single submitter. Criteria: ACMG Guidelines, 2015. Collection method: clinical testing. Allele origin: germline. Affected: no.

Genome-Nilou Lab
Classification: Likely pathogenic for Usher syndrome type 2A. Last evaluated: 2023-11-04. Review status: criteria provided, single submitter. Criteria: ACMG Guidelines, 2015. Collection method: clinical testing. Allele origin: germline. Affected: no.

Blueprint Genetics
Classification: Pathogenic for USH2A-related disorders. Last evaluated: 2023-10-10. Review status: criteria provided, single submitter. Criteria: ACMG Guidelines, 2015. Collection method: clinical testing. Allele origin: germline. Affected: yes. Observed: 5 variant alleles.

Baylor Genetics
Classification: Pathogenic for Retinitis pigmentosa 39. Last evaluated: 2023-03-07. Review status: criteria provided, single submitter. Criteria: ACMG Guidelines, 2015. Collection method: clinical testing. Allele origin: unknown.

Ocular Genomics Institute, Massachusetts Eye and Ear
Classification: Likely pathogenic for Retinitis pigmentosa 39. Last evaluated: 2021-04-08. Review status: criteria provided, single submitter. Criteria: ACMG Guidelines, 2015. Collection method: research. Allele origin: germline. Affected: yes.
Comment: Through a review of available evidence we were able to apply the following criteria: PVS1, PM2. Based on this evidence we have classified this variant as Likely Pathogenic.

Institute of Human Genetics, Univ. Regensburg, Univ. Regensburg
Classification: Pathogenic for Retinal dystrophy. Last evaluated: 2014-01-01. Review status: criteria provided, single submitter. Criteria: ACMG Guidelines, 2015. Collection method: clinical testing. Allele origin: germline. Affected: yes.

Clinical Genetics Service, Universitary Hospital 12 de Octubre
Classification: Pathogenic for Usher syndrome type 2A. Review status: criteria provided, single submitter. Criteria: ACMG Guidelines, 2015. Collection method: clinical testing. Allele origin: germline. Affected: yes.

Counsyl
Classification: Pathogenic for Usher syndrome type 2A; Retinitis pigmentosa 39. Last evaluated: 2018-04-09. Review status: no assertion criteria provided. Collection method: clinical testing. Allele origin: unknown. Not counted in ClinVar's aggregate classification.

Literature cited by the submitters: PubMed 24944099 (cited by 4 submitters); PubMed 10729113 (cited by Labcorp Genetics (formerly Invitae), Labcorp and Ocular Genomics Institute, Massachusetts Eye and Ear); PubMed 10909849 (cited by Labcorp Genetics (formerly Invitae), Labcorp and Ocular Genomics Institute, Massachusetts Eye and Ear); PubMed 20507924 (cited by Labcorp Genetics (formerly Invitae), Labcorp and Ocular Genomics Institute, Massachusetts Eye and Ear); PubMed 25649381 (cited by Labcorp Genetics (formerly Invitae), Labcorp and Ocular Genomics Institute, Massachusetts Eye and Ear); PubMed 18273898 (cited by 3 submitters); PubMed 28157192 (cited by 3 submitters); PubMed 30459346 (cited by Labcorp Genetics (formerly Invitae), Labcorp and Ocular Genomics Institute, Massachusetts Eye and Ear); PubMed 25525159 (cited by Institute of Human Genetics, Univ. Regensburg, Univ. Regensburg); PubMed 32467589 (cited by Institute of Human Genetics, Univ. Regensburg, Univ. Regensburg); PubMed 31964843 (cited by Institute of Human Genetics, Univ. Regensburg, Univ. Regensburg); PubMed 32531858 (cited by Institute of Human Genetics, Univ. Regensburg, Univ. Regensburg); PubMed 32675063 (cited by Institute of Human Genetics, Univ. Regensburg, Univ. Regensburg); PubMed 36819107 (cited by Institute of Human Genetics, Univ. Regensburg, Univ. Regensburg).

NM_206933.4(USH2A):c.13822C>T (p.Arg4608Ter)

Gene: USH2A (usherin; minus strand). Cytogenetic location: 1q41.
Variant type: single nucleotide variant.
Coding change: c.13822C>T on transcript NM_206933.4 (MANE Select); coding-DNA position 13822, C replaced by T.
Protein change: p.Arg4608Ter; replaces arginine 4608 with a stop codon.
Molecular consequence: nonsense.
Genome position (GRCh38, 1-based): chr1:215,671,283, G>A on the plus strand (C>T on the coding strand, the complement: USH2A is on the minus strand). VCF-style: chr1-215671283-G-A. GRCh37 (hg19) VCF-style: chr1-215844625-G-A.
Other names: short protein forms R4608*.
Identifiers: ClinVar variation 557745 (VCV000557745.17), dbSNP rs367674026, ClinGen allele CA1393192.